The following is an entry in ClinVar:

NM_005918.4(MDH2):c.565C>G (p.Pro189Ala)

Gene: MDH2 (malate dehydrogenase 2; plus strand). Cytogenetic location: 7q11.23.
Variant type: single nucleotide variant.
Coding change: c.565C>G on transcript NM_005918.4 (MANE Select); coding-DNA position 565, C replaced by G.
Protein change: p.Pro189Ala; replaces proline 189 with alanine.
Molecular consequence: missense variant.
Genome position (GRCh38, 1-based): chr7:76,063,524, C>G. VCF-style: chr7-76063524-C-G. GRCh37 (hg19) VCF-style: chr7-75692842-C-G.
Other names: c.439C>G, p.Pro147Ala (NM_001282403.2); c.244C>G, p.Pro82Ala (NM_001282404.2); c.565C>G (NM_005918.2); short protein forms P82A, P189A, P147A.
Identifiers: ClinVar variation 1504235 (VCV001504235.7), dbSNP rs782733818, ClinGen allele CA367766554.

ClinVar aggregate classification (germline): Uncertain significance. Review status: criteria provided, multiple submitters, no conflicts (2 of 4 stars). 2 submissions from 2 submitters: Uncertain significance (2). Last evaluated 2024-05-06.

Conditions:
Inborn genetic diseases. Identifiers: MedGen C0950123, MeSH D030342.

Allele frequency attached by ClinVar (database versions not stated): gnomAD exomes below 0.00001.
gnomAD v4.1: 2 of 1,614,242 alleles (0.00012%); highest among the groups gnomAD compares: South Asian, 0.0022%; no homozygotes.

Submissions (2):

Ambry Genetics
Classification: Uncertain significance for Inborn genetic diseases. Last evaluated: 2024-05-06. Review status: criteria provided, single submitter. Criteria: Ambry Variant Classification Scheme 2023. Collection method: clinical testing. Allele origin: germline.

Labcorp Genetics (formerly Invitae), Labcorp
Classification: Uncertain significance. Last evaluated: 2022-10-14. Review status: criteria provided, single submitter. Criteria: Invitae Variant Classification Sherloc (09022015). Collection method: clinical testing. Allele origin: germline.
Comment: This variant has not been reported in the literature in individuals affected with MDH2-related conditions. In summary, the available evidence is currently insufficient to determine the role of this variant in disease. Therefore, it has been classified as a Variant of Uncertain Significance. Advanced modeling of protein sequence and biophysical properties (such as structural, functional, and spatial information, amino acid conservation, physicochemical variation, residue mobility, and thermodynamic stability) performed at Invitae indicates that this missense variant is not expected to disrupt MDH2 protein function. ClinVar contains an entry for this variant (Variation ID: 1504235). This variant is present in population databases (no rsID available, gnomAD 0.003%). This sequence change replaces proline, which is neutral and non-polar, with alanine, which is neutral and non-polar, at codon 189 of the MDH2 protein (p.Pro189Ala).